The following is an entry in ClinVar:

NM_000090.4(COL3A1):c.87A>G (p.Glu29=)

Gene: COL3A1 (collagen type III alpha 1 chain; plus strand). Cytogenetic location: 2q32.2.
Variant type: single nucleotide variant.
Coding change: c.87A>G on transcript NM_000090.4 (MANE Select); coding-DNA position 87, A replaced by G.
Protein change: p.Glu29=; no amino-acid change (glutamic acid 29 retained).
Molecular consequence: synonymous variant.
Genome position (GRCh38, 1-based): chr2:188,984,767, A>G. VCF-style: chr2-188984767-A-G. GRCh37 (hg19) VCF-style: chr2-189849493-A-G.
Identifiers: ClinVar variation 1949952 (VCV001949952.6), dbSNP rs760482912, ClinGen allele CA430466581.

ClinVar aggregate classification (germline): Likely benign. Review status: criteria provided, multiple submitters, no conflicts (2 of 4 stars). 2 submissions from 2 submitters: Likely benign (2). Last evaluated 2024-05-14.

Conditions:
Ehlers-Danlos syndrome, type 4 (EDSVASC). Also called: Ehlers-Danlos syndrome vascular type; Ehlers Danlos syndrome, ecchymotic type; Ehlers Danlos syndrome, arterial type; Ehlers Danlos syndrome, Sack-Barabas type; Ehlers-Danlos Syndrome Type IV. Identifiers: Orphanet 286, MedGen C0268338, MONDO:0017314, OMIM 130050.

gnomAD v4.1: 1 of 1,612,938 alleles (0.000062%); no homozygotes.

Submissions (2):

All of Us Research Program, National Institutes of Health
Classification: Likely benign for Ehlers-Danlos syndrome, type 4. Last evaluated: 2024-05-14. Review status: criteria provided, single submitter. Criteria: ACMG Guidelines, 2015. Collection method: clinical testing. Allele origin: germline. Inheritance: Autosomal dominant inheritance. Observed: 1 variant allele, 1 heterozygote.
Comment: This study involves interpretation of variants in research participants for the purpose of population health screening. Participant phenotype was not available at the time of variant classification. Additional details can be found in publication PMID: 35346344, PMCID: PMC8962531

Labcorp Genetics (formerly Invitae), Labcorp
Classification: Likely benign for Ehlers-Danlos syndrome, type 4. Last evaluated: 2022-07-06. Review status: criteria provided, single submitter. Criteria: Invitae Variant Classification Sherloc (09022015). Collection method: clinical testing. Allele origin: germline.